The following is an entry in ClinVar:

NM_001498.4(GCLC):c.1909A>G (p.Asn637Asp)

Genes: GCLC (glutamate-cysteine ligase catalytic subunit; minus strand), GCLC-AS1 (GCLC antisense RNA 1; plus strand). Cytogenetic location: 6p12.1.
Variant type: single nucleotide variant.
Coding change: c.1909A>G on transcript NM_001498.4 (MANE Select); coding-DNA position 1909, A replaced by G.
Protein change: p.Asn637Asp; replaces asparagine 637 with aspartic acid.
Molecular consequence: missense variant.
Genome position (GRCh38, 1-based): chr6:53,498,761, T>C on the plus strand (A>G on the coding strand, the complement: GCLC is on the minus strand). VCF-style: chr6-53498761-T-C. GRCh37 (hg19) VCF-style: chr6-53363559-T-C.
Other names: c.1795A>G, p.Asn599Asp (NM_001197115.2); short protein forms N637D, N599D.
Identifiers: ClinVar variation 1934431 (VCV001934431.5), dbSNP rs533216367, ClinGen allele CA3859942.

ClinVar aggregate classification (germline): Uncertain significance (1 of 4 stars; one submission).

Allele frequency attached by ClinVar (database versions not stated): ExAC 0.00002; gnomAD exomes 0.00002; gnomAD 0.00003.
gnomAD v4.1: 30 of 1,592,288 alleles (0.0019%); highest among the groups gnomAD compares: South Asian, 0.033%; 2 homozygotes.

Submission:

Labcorp Genetics (formerly Invitae), Labcorp
Classification: Uncertain significance. Last evaluated: 2022-05-17. Review status: criteria provided, single submitter. Criteria: Invitae Variant Classification Sherloc (09022015). Collection method: clinical testing. Allele origin: germline.
Comment: In summary, the available evidence is currently insufficient to determine the role of this variant in disease. Therefore, it has been classified as a Variant of Uncertain Significance. Algorithms developed to predict the effect of missense changes on protein structure and function (SIFT, PolyPhen-2, Align-GVGD) all suggest that this variant is likely to be tolerated. This variant has not been reported in the literature in individuals affected with GCLC-related conditions. This variant is present in population databases (rs533216367, gnomAD 0.02%). This sequence change replaces asparagine, which is neutral and polar, with aspartic acid, which is acidic and polar, at codon 637 of the GCLC protein (p.Asn637Asp).